The following is an entry in ClinVar:

NM_022168.4(IFIH1):c.2304+3A>G

Gene: IFIH1 (interferon induced with helicase C domain 1; minus strand). Cytogenetic location: 2q24.2.
Variant type: single nucleotide variant.
Coding change: c.2304+3A>G on transcript NM_022168.4 (MANE Select); 3 bases into the intron after coding-DNA position 2304, A replaced by G.
Molecular consequence: intron variant.
Genome position (GRCh38, 1-based): chr2:162,276,684, T>C on the plus strand (A>G on the coding strand, the complement: IFIH1 is on the minus strand). VCF-style: chr2-162276684-T-C. GRCh37 (hg19) VCF-style: chr2-163133194-T-C.
Other names: p.?; c.2304+3A>G (NM_022168.2).
Identifiers: ClinVar variation 704305 (VCV000704305.19), dbSNP rs376806735, ClinGen allele CA1934247.

ClinVar aggregate classification (germline): Conflicting classifications of pathogenicity. Review status: criteria provided, conflicting classifications (1 of 4 stars). 6 submissions from 6 submitters: Uncertain significance (1); Benign (1); Likely benign (4). Last evaluated 2026-02-02.

Conditions:
Aicardi-Goutieres syndrome 7 (AGS7). Identifiers: Orphanet 51, MedGen C3888244, MONDO:0014367, OMIM 615846.
Singleton-Merten syndrome 1 (SGMRT1). Also called: Widened medullary cavities of bone, aortic calcification, abnormal dentition, and muscular weakness; Syndrome of widened medullary cavities of the metacarpals and phalanges, aortic calcification and abnormal dentition. Identifiers: Orphanet 85191, MedGen C4225427, MONDO:0024535, OMIM 182250.
Inborn genetic diseases. Identifiers: MedGen C0950123, MeSH D030342.
Immunodeficiency 95 (IMD95). Identifiers: MedGen C5676929, MONDO:0030692, OMIM 619773.

Allele frequency attached by ClinVar (database versions not stated): ESP Exome Variant Server 0.00015; 1000 Genomes Project 30x 0.00016; 1000 Genomes Project 0.00020; gnomAD 0.00027; ExAC 0.00034; gnomAD exomes 0.00035 and 0.00040; TOPMed 0.00036.
gnomAD v4.1: 619 of 1,606,460 alleles (0.039%); highest among the groups gnomAD compares: Admixed American, 0.1%; no homozygotes.

Submissions (6):

Labcorp Genetics (formerly Invitae), Labcorp
Classification: Likely benign for Aicardi-Goutieres syndrome 7; Singleton-Merten syndrome 1. Last evaluated: 2026-02-02. Review status: criteria provided, single submitter. Criteria: Invitae Variant Classification Sherloc (09022015). Collection method: clinical testing. Allele origin: germline.

CeGaT Center for Human Genetics Tuebingen
Classification: Benign. Last evaluated: 2025-12-01. Review status: criteria provided, single submitter. Criteria: CeGaT Center For Human Genetics Tuebingen Variant Classification Criteria Version 2. Collection method: clinical testing. Allele origin: germline. Affected: yes. Observed: 1 variant allele.
Comment: IFIH1: BP4, BS1, BS2

Mayo Clinic Laboratories, Mayo Clinic
Classification: Uncertain significance. Last evaluated: 2025-08-30. Review status: criteria provided, single submitter. Criteria: ACMG Guidelines, 2015. Collection method: clinical testing. Allele origin: germline. Observed: 1 variant allele.
Comment: BS1

Blueprint Genetics
Classification: Likely benign. Last evaluated: 2024-10-24. Review status: criteria provided, single submitter. Criteria: ACMG Guidelines, 2015. Collection method: clinical testing. Allele origin: germline.

Fulgent Genetics
Classification: Likely benign for Singleton-Merten syndrome 1; Aicardi-Goutieres syndrome 7; Immunodeficiency 95. Last evaluated: 2021-07-21. Review status: criteria provided, single submitter. Criteria: ACMG Guidelines, 2015. Collection method: clinical testing. Allele origin: unknown.

Ambry Genetics
Classification: Likely benign for Inborn genetic diseases. Last evaluated: 2021-06-14. Review status: criteria provided, single submitter. Criteria: Ambry Variant Classification Scheme 2023. Collection method: clinical testing. Allele origin: germline.